The following is an entry in ClinVar:

NM_020117.11(LARS1):c.801C>A (p.Leu267=)

Gene: LARS1 (leucyl-tRNA synthetase 1; minus strand). Cytogenetic location: 5q32.
Variant type: single nucleotide variant.
Coding change: c.801C>A on transcript NM_020117.11 (MANE Select); coding-DNA position 801, C replaced by A.
Protein change: p.Leu267=; no amino-acid change (leucine 267 retained).
Molecular consequence: synonymous variant.
Genome position (GRCh38, 1-based): chr5:146,157,766, G>T on the plus strand (C>A on the coding strand, the complement: LARS1 is on the minus strand). VCF-style: chr5-146157766-G-T. GRCh37 (hg19) VCF-style: chr5-145537329-G-T.
Other names: c.663C>A, p.Leu221= (NM_001317964.2); c.639C>A, p.Leu213= (NM_001317965.2); c.720C>A, p.Leu240= (NM_016460.4).
Identifiers: ClinVar variation 387368 (VCV000387368.1), dbSNP rs1057522771, ClinGen allele CA16604828.

ClinVar aggregate classification (germline): Likely benign (1 of 4 stars; one submission).

Allele frequency attached by ClinVar (database versions not stated): TOPMed below 0.00001; gnomAD 0.00001; gnomAD exomes 0.00001.
gnomAD v4.1: 4 of 1,613,944 alleles (0.00025%); highest among the groups gnomAD compares: Middle Eastern, 0.016%; no homozygotes.

Submission:

GeneDx
Classification: Likely benign. Last evaluated: 2016-07-21. Review status: criteria provided, single submitter. Criteria: GeneDx Variant Classification (06012015). Collection method: clinical testing. Allele origin: germline. Affected: yes.
Comment: This variant is considered likely benign or benign based on one or more of the following criteria: it is a conservative change, it occurs at a poorly conserved position in the protein, it is predicted to be benign by multiple in silico algorithms, and/or has population frequency not consistent with disease.